The following is an entry in ClinVar:

ClinVar aggregate classification (germline): Uncertain significance (1 of 4 stars; one submission).

Conditions:
Hereditary cancer-predisposing syndrome. Also called: Neoplastic Syndromes, Hereditary; Hereditary neoplastic syndrome; Tumor predisposition; Hereditary Cancer Syndrome. Identifiers: Orphanet 140162, MedGen C0027672, MeSH D009386, MONDO:0015356.

Submission:

Ambry Genetics
Classification: Uncertain significance for Hereditary cancer-predisposing syndrome. Last evaluated: 2022-11-25. Review status: criteria provided, single submitter. Criteria: Ambry Variant Classification Scheme 2023. Collection method: clinical testing. Allele origin: germline.
Comment: The p.V200G variant (also known as c.599T>G), located in coding exon 6 of the FANCC gene, results from a T to G substitution at nucleotide position 599. The valine at codon 200 is replaced by glycine, an amino acid with dissimilar properties. This amino acid position is conserved. In addition, this alteration is predicted to be deleterious by in silico analysis. Since supporting evidence is limited at this time, the clinical significance of this alteration remains unclear.

NM_000136.3(FANCC):c.599T>G (p.Val200Gly)

Genes: FANCC (FA complementation group C; minus strand), AOPEP (aminopeptidase O (putative); plus strand). Cytogenetic location: 9q22.32.
Variant type: single nucleotide variant.
Coding change: c.599T>G on transcript NM_000136.3 (MANE Select); coding-DNA position 599, T replaced by G.
Protein change: p.Val200Gly; replaces valine 200 with glycine.
Molecular consequence: missense variant.
Genome position (GRCh38, 1-based): chr9:95,150,010, A>C on the plus strand (T>G on the coding strand, the complement: FANCC is on the minus strand). VCF-style: chr9-95150010-A-C. GRCh37 (hg19) VCF-style: chr9-97912292-A-C.
Other names: c.599T>G, p.Val200Gly (NM_001243743.2, NM_001243744.2); short protein forms V200G.
Identifiers: ClinVar variation 2463100 (VCV002463100.2), dbSNP rs2135427579, ClinGen allele CA374109692.